The following is an entry in ClinVar:

NM_001379500.1(COL18A1):c.455G>T (p.Ser152Ile)

Gene: COL18A1 (collagen type XVIII alpha 1 chain; plus strand). Cytogenetic location: 21q22.3.
Variant type: single nucleotide variant.
Coding change: c.455G>T on transcript NM_001379500.1 (MANE Select); coding-DNA position 455, G replaced by T.
Protein change: p.Ser152Ile; replaces serine 152 with isoleucine.
Molecular consequence: missense variant.
Genome position (GRCh38, 1-based): chr21:45,468,590, G>T. VCF-style: chr21-45468590-G-T. GRCh37 (hg19) VCF-style: chr21-46888504-G-T.
Other names: c.995G>T, p.Ser332Ile (NM_030582.4); c.1700G>T, p.Ser567Ile (NM_130444.3); short protein forms S567I, S152I, S332I.
Identifiers: ClinVar variation 1385995 (VCV001385995.3), dbSNP rs1008266515, ClinGen allele CA321906247.

ClinVar aggregate classification (germline): Uncertain significance (1 of 4 stars; one submission).

gnomAD v4.1: 3 of 1,613,716 alleles (0.00019%); no homozygotes.

Submission:

Labcorp Genetics (formerly Invitae), Labcorp
Classification: Uncertain significance. Last evaluated: 2022-09-06. Review status: criteria provided, single submitter. Criteria: Invitae Variant Classification Sherloc (09022015). Collection method: clinical testing. Allele origin: germline.
Comment: This sequence change replaces serine with isoleucine at codon 152 of the COL18A1 protein (p.Ser152Ile). This variant is not present in population databases (gnomAD no frequency). This variant has not been reported in the literature in individuals affected with COL18A1-related conditions. ClinVar contains an entry for this variant (Variation ID: 1385995). Experimental studies and prediction algorithms are not available or were not evaluated, and the functional significance of this variant is currently unknown. In summary, the available evidence is currently insufficient to determine the role of this variant in disease. Therefore, it has been classified as a Variant of Uncertain Significance.